The following is an entry in ClinVar:

NM_005094.4(SLC27A4):c.167G>T (p.Gly56Val)

Gene: SLC27A4 (solute carrier family 27 member 4; plus strand). Cytogenetic location: 9q34.11.
Variant type: single nucleotide variant.
Coding change: c.167G>T on transcript NM_005094.4 (MANE Select); coding-DNA position 167, G replaced by T.
Protein change: p.Gly56Val; replaces glycine 56 with valine.
Molecular consequence: missense variant.
Genome position (GRCh38, 1-based): chr9:128,345,160, G>T. VCF-style: chr9-128345160-G-T. GRCh37 (hg19) VCF-style: chr9-131107439-G-T.
Other names: short protein forms G56V.
Identifiers: ClinVar variation 738739 (VCV000738739.13), dbSNP rs140481562, ClinGen allele CA5260863.

ClinVar aggregate classification (germline): Conflicting classifications of pathogenicity. Review status: criteria provided, conflicting classifications (1 of 4 stars). 4 submissions from 4 submitters: Uncertain significance (1); Benign (2). 1 of the submissions does not count toward it. Last evaluated 2026-01-28.

Conditions:
Inborn genetic diseases. Identifiers: MedGen C0950123, MeSH D030342.
SLC27A4-related disorder. Also called: SLC27A4-related condition.

Allele frequency attached by ClinVar (database versions not stated): gnomAD 0.00066 and 0.00076; ESP Exome Variant Server 0.00069; TOPMed 0.00076; 1000 Genomes Project 0.00080; 1000 Genomes Project 30x 0.00094.
gnomAD v4.1: 1,594 of 1,613,216 alleles (0.099%); highest among the groups gnomAD compares: South Asian, 0.62%; 10 homozygotes.

Submissions (4):

Labcorp Genetics (formerly Invitae), Labcorp
Classification: Benign. Last evaluated: 2026-01-28. Review status: criteria provided, single submitter. Criteria: Invitae Variant Classification Sherloc (09022015). Collection method: clinical testing. Allele origin: germline.

Ambry Genetics
Classification: Uncertain significance for Inborn genetic diseases. Last evaluated: 2024-05-09. Review status: criteria provided, single submitter. Criteria: Ambry Variant Classification Scheme 2023. Collection method: clinical testing. Allele origin: germline.

Breakthrough Genomics
Classification: Benign. Review status: criteria provided, single submitter. Criteria: ACMG Guidelines, 2015. Collection method: not provided. Allele origin: germline. Inheritance: Autosomal recessive inheritance. Affected: yes.

PreventionGenetics, part of Exact Sciences
Classification: Likely benign for SLC27A4-related condition. Last evaluated: 2020-03-23. Review status: no assertion criteria provided. Collection method: clinical testing. Allele origin: germline. Not counted in ClinVar's aggregate classification.
Comment: This variant is classified as likely benign based on ACMG/AMP sequence variant interpretation guidelines (Richards et al. 2015 PMID: 25741868, with internal and published modifications).